The following is an entry in ClinVar:

ClinVar aggregate classification (germline): Uncertain significance. Review status: criteria provided, multiple submitters, no conflicts (2 of 4 stars). 2 submissions from 2 submitters: Uncertain significance (2). Last evaluated 2025-11-18.

Allele frequency attached by ClinVar (database versions not stated): ExAC 0.00002; TOPMed 0.00002; gnomAD exomes 0.00004; gnomAD 0.00005; ESP Exome Variant Server 0.00008.
gnomAD v4.1: 57 of 1,613,886 alleles (0.0035%); highest among the groups gnomAD compares: Non-Finnish European, 0.0048%; no homozygotes.

Submissions (2):

Labcorp Genetics (formerly Invitae), Labcorp
Classification: Uncertain significance. Last evaluated: 2025-11-18. Review status: criteria provided, single submitter. Criteria: Invitae Variant Classification Sherloc (09022015). Collection method: clinical testing. Allele origin: germline.
Comment: This sequence change replaces proline, which is neutral and non-polar, with alanine, which is neutral and non-polar, at codon 903 of the NPAT protein (p.Pro903Ala). This variant is present in population databases (rs370029607, gnomAD 0.01%). This variant has not been reported in the literature in individuals affected with NPAT-related conditions. ClinVar contains an entry for this variant (Variation ID: 2081883). An algorithm developed to predict the effect of missense changes on protein structure and function outputs the following: PolyPhen-2: "Benign". The alanine amino acid residue is found in multiple mammalian species, which suggests that this missense change does not adversely affect protein function. In summary, the available evidence is currently insufficient to determine the role of this variant in disease. Therefore, it has been classified as a Variant of Uncertain Significance.

Ambry Genetics
Classification: Uncertain significance. Last evaluated: 2025-06-19. Review status: criteria provided, single submitter. Criteria: Ambry Variant Classification Scheme 2023. Collection method: clinical testing. Allele origin: germline.

NM_002519.3(NPAT):c.2707C>G (p.Pro903Ala)

Gene: NPAT (nuclear protein, coactivator of histone transcription; minus strand). Cytogenetic location: 11q22.3.
Variant type: single nucleotide variant.
Coding change: c.2707C>G on transcript NM_002519.3 (MANE Select); coding-DNA position 2707, C replaced by G.
Protein change: p.Pro903Ala; replaces proline 903 with alanine.
Molecular consequence: missense variant.
Genome position (GRCh38, 1-based): chr11:108,172,277, G>C on the plus strand (C>G on the coding strand, the complement: NPAT is on the minus strand). VCF-style: chr11-108172277-G-C. GRCh37 (hg19) VCF-style: chr11-108043004-G-C.
Other names: c.2707C>G, p.Pro903Ala (NM_001321307.1); c.2707C>G (NM_002519.2); short protein forms P903A.
Identifiers: ClinVar variation 2081883 (VCV002081883.7), dbSNP rs370029607, ClinGen allele CA6263776.